The following is an entry in ClinVar:

ClinVar aggregate classification (germline): Uncertain significance. Review status: criteria provided, multiple submitters, no conflicts (2 of 4 stars). 2 submissions from 2 submitters: Uncertain significance (2). Last evaluated 2021-10-23.

Conditions:
Primary ciliary dyskinesia. Also called: Ciliary dyskinesia. Identifiers: Orphanet 244, MedGen C0008780, MONDO:0016575, HP:0012265.

Allele frequency attached by ClinVar (database versions not stated): gnomAD 0.00001; gnomAD exomes 0.00001; TOPMed 0.00002.

Submissions (2):

Labcorp Genetics (formerly Invitae), Labcorp
Classification: Uncertain significance for Primary ciliary dyskinesia. Last evaluated: 2021-10-23. Review status: criteria provided, single submitter. Criteria: Invitae Variant Classification Sherloc (09022015). Collection method: clinical testing. Allele origin: germline.
Comment: This sequence change replaces proline, which is neutral and non-polar, with serine, which is neutral and polar, at codon 253 of the RSPH9 protein (p.Pro253Ser). This variant is present in population databases (no rsID available, gnomAD 0.002%). This variant has not been reported in the literature in individuals affected with RSPH9-related conditions. Algorithms developed to predict the effect of missense changes on protein structure and function are either unavailable or do not agree on the potential impact of this missense change (SIFT: "Tolerated"; PolyPhen-2: "Probably Damaging"; Align-GVGD: "Class C0"). In summary, the available evidence is currently insufficient to determine the role of this variant in disease. Therefore, it has been classified as a Variant of Uncertain Significance.

Ambry Genetics
Classification: Uncertain significance for Primary ciliary dyskinesia. Last evaluated: 2017-03-01. Review status: criteria provided, single submitter. Criteria: Ambry Variant Classification Scheme 2023. Collection method: clinical testing. Allele origin: germline.
Comment: The p.P253S variant (also known as c.757C>T), located in coding exon 5 of the RSPH9 gene, results from a C to T substitution at nucleotide position 757. The proline at codon 253 is replaced by serine, an amino acid with similar properties. This amino acid position is highly conserved in available vertebrate species. In addition, the in silico prediction for this alteration is inconclusive. Since supporting evidence is limited at this time, the clinical significance of this alteration remains unclear.

NM_152732.5(RSPH9):c.757C>T (p.Pro253Ser)

Gene: RSPH9 (radial spoke head component 9; plus strand). Cytogenetic location: 6p21.1.
Variant type: single nucleotide variant.
Coding change: c.757C>T on transcript NM_152732.5 (MANE Select); coding-DNA position 757, C replaced by T.
Protein change: p.Pro253Ser; replaces proline 253 with serine.
Molecular consequence: missense variant. On other transcripts: non-coding transcript variant (2).
Genome position (GRCh38, 1-based): chr6:43,670,875, C>T. VCF-style: chr6-43670875-C-T. GRCh37 (hg19) VCF-style: chr6-43638612-C-T.
Other names: c.809C>T, p.Ser270Phe (NM_001193341.2); c.854C>T, p.Ser285Phe (NM_001424119.1); c.712C>T, p.Pro238Ser (NM_001424120.1); short protein forms P253S, S270F, P238S, S285F.
Identifiers: ClinVar variation 1424526 (VCV001424526.6), dbSNP rs1449083319, ClinGen allele CA364278241.